The following is an entry in ClinVar:

ClinVar aggregate classification (germline): Uncertain significance (1 of 4 stars; one submission).

Conditions:
Progressive myoclonic epilepsy. Also called: Myoclonus epilepsy; Progressive myoclonus epilepsy; Familial progressive myoclonic epilepsy; Myoclonic Epilepsies, Progressive. Identifiers: Orphanet 308, Orphanet 98261, MedGen C0751778, MONDO:0020074.

Submission:

Labcorp Genetics (formerly Invitae), Labcorp
Classification: Uncertain significance for Progressive myoclonic epilepsy. Last evaluated: 2020-05-06. Review status: criteria provided, single submitter. Criteria: Invitae Variant Classification Sherloc (09022015). Collection method: clinical testing. Allele origin: germline.
Comment: Algorithms developed to predict the effect of missense changes on protein structure and function output the following: SIFT: "Tolerated"; PolyPhen-2: "Benign"; Align-GVGD: "Class C0". The glutamic acid amino acid residue is found in multiple mammalian species, suggesting that this missense change does not adversely affect protein function. These predictions have not been confirmed by published functional studies and their clinical significance is uncertain. In summary, the available evidence is currently insufficient to determine the role of this variant in disease. Therefore, it has been classified as a Variant of Uncertain Significance. This variant has not been reported in the literature in individuals with SCARB2-related conditions. This variant is not present in population databases (ExAC no frequency). This sequence change replaces aspartic acid with glutamic acid at codon 122 of the SCARB2 protein (p.Asp122Glu). The aspartic acid residue is weakly conserved and there is a small physicochemical difference between aspartic acid and glutamic acid.

NM_005506.4(SCARB2):c.366C>G (p.Asp122Glu)

Gene: SCARB2 (scavenger receptor class B member 2; minus strand). Cytogenetic location: 4q21.1.
Variant type: single nucleotide variant.
Coding change: c.366C>G on transcript NM_005506.4 (MANE Select); coding-DNA position 366, C replaced by G.
Protein change: p.Asp122Glu; replaces aspartic acid 122 with glutamic acid.
Molecular consequence: missense variant. On other transcripts: intron variant (1).
Genome position (GRCh38, 1-based): chr4:76,181,011, G>C on the plus strand (C>G on the coding strand, the complement: SCARB2 is on the minus strand). VCF-style: chr4-76181011-G-C. GRCh37 (hg19) VCF-style: chr4-77102164-G-C.
Other names: c.276-5101C>G (NM_001204255.2); short protein forms D122E.
Identifiers: ClinVar variation 1062273 (VCV001062273.9), dbSNP rs2109948680, ClinGen allele CA357327203.
Genomic context (GRCh38, chr4:76,181,011, plus strand): 5'-TACCAATACAGGAATATTTAATGTTCTAATTAAGTCAATTTTAGGGTCTCCAACAGATTG[G>C]TCTCGTTCAAAAACATAGGCCTTGTTGCTAACAGCAGATATTGTTGTTCCATTATCTCCA-3'
Protein context (NP_005497.1, residues 112-132): VSNKAYVFER[Asp122Glu]QSVGDPKIDL